The following is an entry in ClinVar:

ClinVar aggregate classification (germline): Conflicting classifications of pathogenicity. Review status: criteria provided, conflicting classifications (1 of 4 stars). 2 submissions from 2 submitters: Uncertain significance (1); Likely benign (1). Last evaluated 2024-04-23.

Conditions:
Inborn genetic diseases. Identifiers: MedGen C0950123, MeSH D030342.

Allele frequency attached by ClinVar (database versions not stated): gnomAD 0.00003; TOPMed 0.00005; ExAC 0.00006.
gnomAD v4.1: 74 of 1,614,034 alleles (0.0046%); highest among the groups gnomAD compares: East Asian, 0.02%; no homozygotes.

Submissions (2):

Ambry Genetics
Classification: Likely benign for Inborn genetic diseases. Last evaluated: 2024-04-23. Review status: criteria provided, single submitter. Criteria: Ambry Variant Classification Scheme 2023. Collection method: clinical testing. Allele origin: germline.

Labcorp Genetics (formerly Invitae), Labcorp
Classification: Uncertain significance. Last evaluated: 2023-08-04. Review status: criteria provided, single submitter. Criteria: Invitae Variant Classification Sherloc (09022015). Collection method: clinical testing. Allele origin: germline.
Comment: This sequence change replaces alanine, which is neutral and non-polar, with threonine, which is neutral and polar, at codon 1082 of the MAST1 protein (p.Ala1082Thr). This variant is present in population databases (rs778091278, gnomAD 0.06%), and has an allele count higher than expected for a pathogenic variant. This variant has not been reported in the literature in individuals affected with MAST1-related conditions. ClinVar contains an entry for this variant (Variation ID: 1975865). In summary, the available evidence is currently insufficient to determine the role of this variant in disease. Therefore, it has been classified as a Variant of Uncertain Significance. Algorithms developed to predict the effect of missense changes on protein structure and function output the following: SIFT: "Not Available"; PolyPhen-2: "Benign"; Align-GVGD: "Not Available". The threonine amino acid residue is found in multiple mammalian species, which suggests that this missense change does not adversely affect protein function.

NM_014975.3(MAST1):c.3244G>A (p.Ala1082Thr)

Gene: MAST1 (microtubule associated serine/threonine kinase 1; plus strand). Cytogenetic location: 19p13.13.
Variant type: single nucleotide variant.
Coding change: c.3244G>A on transcript NM_014975.3 (MANE Select); coding-DNA position 3244, G replaced by A.
Protein change: p.Ala1082Thr; replaces alanine 1082 with threonine.
Molecular consequence: missense variant.
Genome position (GRCh38, 1-based): chr19:12,871,153, G>A. VCF-style: chr19-12871153-G-A. GRCh37 (hg19) VCF-style: chr19-12981967-G-A.
Other names: c.3244G>A (NM_014975.2); short protein forms A1082T.
Identifiers: ClinVar variation 1975865 (VCV001975865.6), dbSNP rs778091278, ClinGen allele CA9233351.